The following is an entry in ClinVar:

ClinVar aggregate classification (germline): Uncertain significance. Review status: criteria provided, multiple submitters, no conflicts (2 of 4 stars). 2 submissions from 2 submitters: Uncertain significance (2). Last evaluated 2025-05-14.

Allele frequency attached by ClinVar (database versions not stated): gnomAD exomes 0.00002; gnomAD 0.00003; TOPMed 0.00003; ExAC 0.00004; 1000 Genomes Project 30x 0.00016.
gnomAD v4.1: 46 of 1,609,170 alleles (0.0029%); highest among the groups gnomAD compares: African/African-American, 0.008%; no homozygotes.

Submissions (2):

Ambry Genetics
Classification: Uncertain significance. Last evaluated: 2025-05-14. Review status: criteria provided, single submitter. Criteria: Ambry Variant Classification Scheme 2023. Collection method: clinical testing. Allele origin: germline.

Labcorp Genetics (formerly Invitae), Labcorp
Classification: Uncertain significance. Last evaluated: 2023-10-08. Review status: criteria provided, single submitter. Criteria: Invitae Variant Classification Sherloc (09022015). Collection method: clinical testing. Allele origin: germline.
Comment: This sequence change replaces arginine, which is basic and polar, with tryptophan, which is neutral and slightly polar, at codon 542 of the MKL1 protein (p.Arg542Trp). This variant is present in population databases (rs774356966, gnomAD 0.005%). This variant has not been reported in the literature in individuals affected with MKL1-related conditions. An algorithm developed to predict the effect of missense changes on protein structure and function (PolyPhen-2) suggests that this variant is likely to be disruptive. In summary, the available evidence is currently insufficient to determine the role of this variant in disease. Therefore, it has been classified as a Variant of Uncertain Significance.

NM_020831.6(MRTFA):c.1924C>T (p.Arg642Trp)

Gene: MRTFA (myocardin related transcription factor A; minus strand). Cytogenetic location: 22q13.1.
Variant type: single nucleotide variant.
Coding change: c.1924C>T on transcript NM_020831.6 (MANE Select); coding-DNA position 1924, C replaced by T.
Protein change: p.Arg642Trp; replaces arginine 642 with tryptophan.
Molecular consequence: missense variant.
Genome position (GRCh38, 1-based): chr22:40,418,814, G>A on the plus strand (C>T on the coding strand, the complement: MRTFA is on the minus strand). VCF-style: chr22-40418814-G-A. GRCh37 (hg19) VCF-style: chr22-40814818-G-A.
Other names: c.1624C>T (NM_020831.3); c.1624C>T, p.Arg542Trp (NM_001282660.2); c.1774C>T, p.Arg592Trp (NM_001282661.3); c.1924C>T, p.Arg642Trp (NM_001282662.3); c.1729C>T, p.Arg577Trp (NM_001318139.2); short protein forms R577W, R592W, R642W, R542W.
Identifiers: ClinVar variation 2769119 (VCV002769119.4), dbSNP rs774356966, ClinGen allele CA10249496.